The following is an entry in ClinVar:

ClinVar aggregate classification (germline): Pathogenic. Review status: no assertion criteria provided (0 of 4 stars). 2 submissions from 2 submitters: Pathogenic (2). Last evaluated 2020-12-23.

Conditions:
Thrombocytopenia 7. Also called: THROMBOCYTOPENIA, AUTOSOMAL DOMINANT, 7. Identifiers: MedGen C5436874, MONDO:0030867, OMIM 619130.

Submissions (2):

OMIM
Classification: Pathogenic for THROMBOCYTOPENIA 7. Last evaluated: 2020-12-23. Review status: no assertion criteria provided. Collection method: literature only. Allele origin: germline.

ISTH-SSC Genomics in Thrombosis and Hemostasis, KU Leuven, Center for Molecular and Vascular Biology
Classification: Pathogenic for Thrombocytopenia 7. Review status: no assertion criteria provided. Collection method: research. Allele origin: de novo. Affected: yes.
Comment: Submitted to GoldVariant by Dr Karyn Mégy from NIHR Bioresource - Cambridge University, UK

Literature cited by the submitters: PubMed 31217188 (cited by OMIM).

NM_001372123.1(IKZF5):c.418T>C (p.Cys140Arg)

Gene: IKZF5 (IKAROS family zinc finger 5; minus strand). Cytogenetic location: 10q26.13.
Variant type: single nucleotide variant.
Coding change: c.418T>C on transcript NM_001372123.1 (MANE Select); coding-DNA position 418, T replaced by C.
Protein change: p.Cys140Arg; replaces cysteine 140 with arginine.
Molecular consequence: missense variant.
Genome position (GRCh38, 1-based): chr10:122,994,622, A>G on the plus strand (T>C on the coding strand, the complement: IKZF5 is on the minus strand). VCF-style: chr10-122994622-A-G. GRCh37 (hg19) VCF-style: chr10-124754138-A-G.
Other names: c.418T>C, p.Cys140Arg (NM_001271840.1, NM_001372125.1, NM_001372126.1 and 2 more transcripts); c.214T>C, p.Cys72Arg (NM_001372124.1, NM_001372129.1, NM_001372130.1 and 1 more transcripts); short protein forms C140R, C72R.
Identifiers: ClinVar variation 1684456 (VCV001684456.2), dbSNP rs2133379859, ClinGen allele CA378613055.
Genomic context (GRCh38, chr10:122,994,622, plus strand): 5'-TGCGCCTTCGATGATGGGACAAGTTACTTCGATCACTGCAGCGGAAGGAACATAATTCAC[A>G]TTTGTATGGTTTTTCTCCAGTATGAGAACGCATATGGGCTTCCAGATGACGCTCATAAGC-3'
Protein context (NP_001359052.1, residues 130-150): RSHTGEKPYK[Cys140Arg]ELCSFRCSDR